The following is an entry in ClinVar:

NM_001374504.1(TMPRSS6):c.*546T>C

Gene: TMPRSS6 (transmembrane serine protease 6; minus strand). Cytogenetic location: 22q12.3.
Variant type: single nucleotide variant.
Coding change: c.*546T>C on transcript NM_001374504.1 (MANE Select); 546 bases downstream of the stop codon, T replaced by C.
Molecular consequence: 3 prime UTR variant.
Genome position (GRCh38, 1-based): chr22:37,065,534, A>G on the plus strand (T>C on the coding strand, the complement: TMPRSS6 is on the minus strand). VCF-style: chr22-37065534-A-G. GRCh37 (hg19) VCF-style: chr22-37461574-A-G.
Other names: c.*546T>C (NM_001289000.2, NM_001289001.2, NM_153609.4).
Identifiers: ClinVar variation 341570 (VCV000341570.5), dbSNP rs142181201, ClinGen allele CA10653481.

ClinVar aggregate classification (germline): Benign (1 of 4 stars; one submission).

Conditions:
Microcytic anemia. Identifiers: MedGen C5194182, MONDO:0001245, HP:0001935. Disease mechanism: loss of function.

Allele frequency attached by ClinVar (database versions not stated): gnomAD exomes 0.00122; gnomAD 0.01054 and 0.01129; TOPMed 0.01149; 1000 Genomes Project 0.01258; 1000 Genomes Project 30x 0.01265.
gnomAD v4.1: 1,585 of 160,002 alleles (0.99%); highest among the groups gnomAD compares: African/African-American, 3.7%; 44 homozygotes.

Submission:

Illumina Laboratory Services, Illumina
Classification: Benign for Iron-refractory iron deficiency anemia. Last evaluated: 2018-01-12. Review status: criteria provided, single submitter. Criteria: ICSL Variant Classification Criteria 13 December 2019. Collection method: clinical testing. Allele origin: germline.
Comment: This variant was observed in the ICSL laboratory as part of a predisposition screen in an ostensibly healthy population. It had not been previously curated by ICSL or reported in the Human Gene Mutation Database (HGMD: prior to June 1st, 2018), and was therefore a candidate for classification through an automated scoring system. Utilizing variant allele frequency, disease prevalence and penetrance estimates, and inheritance mode, an automated score was calculated to assess if this variant is too frequent to cause the disease. Based on the score and internal cut-off values, a variant classified as benign is not then subjected to further curation. The score for this variant resulted in a classification of benign for this disease.